The following is an entry in ClinVar:

ClinVar aggregate classification (germline): Pathogenic/Likely pathogenic. Review status: criteria provided, multiple submitters, no conflicts (2 of 4 stars). 5 submissions from 5 submitters: Pathogenic (3); Likely pathogenic (2). Last evaluated 2025-11-12.

Conditions:
Plasma factor XI deficiency.
Hereditary factor XI deficiency disease. Also called: PLASMA THROMBOPLASTIN ANTECEDENT DEFICIENCY; PTA DEFICIENCY; ROSENTHAL SYNDROME; Congenital factor XI deficiency. Identifiers: Orphanet 329, MedGen C0015523, MeSH D005173, MONDO:0012897, OMIM 612416.

Submissions (5):

Myriad Genetics, Inc.
Classification: Likely pathogenic for Hereditary factor XI deficiency disease. Last evaluated: 2025-11-12. Review status: criteria provided, single submitter. Criteria: Myriad Autosomal Dominant, Autosomal Recessive and X-Linked Classification Criteria (2023). Collection method: clinical testing. Allele origin: unknown.
Comment: NM_000128.3(F11):c.1103G>A(G368E) is a missense variant classified as likely pathogenic in the context of factor XI deficiency. G368E has been observed in cases with relevant disease (PMID: 35850092, 27067486, 34776502, 1581318). Relevant functional assessments of this variant are available in the literature (PMID: 15026311). G368E has been observed in referenced population frequency databases. In summary, NM_000128.3(F11):c.1103G>A(G368E) is a missense variant that has functional support for pathogenicity and has been observed more frequently in cases with the relevant disease than in healthy populations. Please note: this variant was assessed in the context of healthy population screening.

Natera, Inc.
Classification: Pathogenic for Plasma factor XI deficiency. Last evaluated: 2025-08-20. Review status: criteria provided, single submitter. Criteria: Natera Variant Classification Schema (03/2026). Collection method: clinical testing. Allele origin: germline.
Comment: The c.1103G>A variant in F11 is a missense variant predicted to cause substitution of glycine to glutamic acid at amino acid 368. This variant is rare in the general population with a frequency below the threshold expected for the associated phenotype(s). This variant has been observed in one or more individuals affected with the associated recessive disease, as either homozygous or compound heterozygous with a second variant (PMID: 27067486, 33751533). Given the available evidence, this variant is classified as Pathogenic.

Women's Health and Genetics/Laboratory Corporation of America, LabCorp
Classification: Pathogenic for Hereditary factor XI deficiency disease. Last evaluated: 2025-05-22. Review status: criteria provided, single submitter. Criteria: LabCorp Variant Classification Summary - May 2015. Collection method: clinical testing. Allele origin: germline.
Comment: Variant summary: F11 c.1103G>A (p.Gly368Glu) results in a non-conservative amino acid change located in the fourth apple (apple 4) domain (IPR000177), which mediates dimer formation (PMID 1581318) of the encoded protein sequence. Algorithms developed to predict the effect of missense changes on protein structure and function all suggest that this variant is likely to be disruptive. The variant allele was found at a frequency of 1.2e-05 in 251366 control chromosomes (gnomAD). The variant c.1103G>A (aka Gly350Glu) has been observed in multiple compound heterozygous individuals affected with Hereditary factor XI deficiency disease (e.g. Shao_2016, Yuan_2021, Yang_2021, Yang_2022), where the affected probands had a second pathogenic variant, and had significantly reduced (close to zero) FXI activities and protein levels, while carrier family members had approximately half of the normal levels. At least one publication reported experimental evidence evaluating an impact on protein function, and demonstrated that the variant protein was not secreted, and was not able to form dimers, but had no impact (i.e. had no dominant negative effect) on the secretion of the WT (Kravtsov_2004), which is consistent with the observed recessive inheritance. In addition, other missense variants affecting the same amino acid have been classified as likely pathogenic by Labcorp Genetics (formerly Invitae) in ClinVar, indicating the critical role of this codon for protein function. The following publications have been ascertained in the context of this evaluation (PMID: 15026311, 33751533, 35850092, 27067486, 34776502). ClinVar contains an entry for this variant (Variation ID: 2734695). Based on the evidence outlined above, the variant was classified as pathogenic.

Labcorp Genetics (formerly Invitae), Labcorp
Classification: Pathogenic. Last evaluated: 2023-08-11. Review status: criteria provided, single submitter. Criteria: Invitae Variant Classification Sherloc (09022015). Collection method: clinical testing. Allele origin: germline.
Comment: This variant is also known as p.Gly350Glu. This missense change has been observed in individual(s) with clinical features of autosomal recessive factor XI deficiency (PMID: 33751533). In at least one individual the data is consistent with being in trans (on the opposite chromosome) from a pathogenic variant. This variant is present in population databases (no rsID available, gnomAD 0.02%). This sequence change replaces glycine, which is neutral and non-polar, with glutamic acid, which is acidic and polar, at codon 368 of the F11 protein (p.Gly368Glu). Advanced modeling of protein sequence and biophysical properties (such as structural, functional, and spatial information, amino acid conservation, physicochemical variation, residue mobility, and thermodynamic stability) performed at Invitae indicates that this missense variant is expected to disrupt F11 protein function. For these reasons, this variant has been classified as Pathogenic. This variant disrupts the p.Gly350 amino acid residue in F11. Other variant(s) that disrupt this residue have been determined to be pathogenic (PMID: 14717969). This suggests that this residue is clinically significant, and that variants that disrupt this residue are likely to be disease-causing. Experimental studies have shown that this missense change affects F11 function (PMID: 15026311).

Juno Genomics, Hangzhou Juno Genomics, Inc
Classification: Likely pathogenic for Hereditary factor XI deficiency disease. Review status: criteria provided, single submitter. Criteria: ACMG Guidelines, 2015. Collection method: clinical testing. Allele origin: germline.
Comment: Absent from controls (or at extremely low frequency if recessive) in Genome Aggregation Database.;Well-established in vitro or in vivo functional studies supportive of a damaging effect on the gene or gene product.;For recessive disorders, detected in trans with a pathogenic variant.;The prevalence of the variant in affected individuals is significantly increased compared to the prevalence in controls.;Patient's phenotype or family history is highly specific for a disease with a single genetic etiology.

Literature cited by the submitters: PubMed 15026311 (cited by 3 submitters); PubMed 1581318 (cited by Myriad Genetics, Inc.); PubMed 27067486 (cited by 3 submitters); PubMed 34776502 (cited by Myriad Genetics, Inc. and Women's Health and Genetics/Laboratory Corporation of America, LabCorp); PubMed 35850092 (cited by Myriad Genetics, Inc. and Women's Health and Genetics/Laboratory Corporation of America, LabCorp); PubMed 33751533 (cited by 3 submitters); PubMed 14717969 (cited by Labcorp Genetics (formerly Invitae), Labcorp).

NM_000128.4(F11):c.1103G>A (p.Gly368Glu)

Gene: F11 (coagulation factor XI; plus strand). Cytogenetic location: 4q35.2.
Variant type: single nucleotide variant.
Coding change: c.1103G>A on transcript NM_000128.4 (MANE Select); coding-DNA position 1103, G replaced by A.
Protein change: p.Gly368Glu; replaces glycine 368 with glutamic acid.
Molecular consequence: missense variant.
Genome position (GRCh38, 1-based): chr4:186,280,548, G>A. VCF-style: chr4-186280548-G-A. GRCh37 (hg19) VCF-style: chr4-187201702-G-A.
Other names: short protein forms G368E.
Identifiers: ClinVar variation 2734695 (VCV002734695.7), dbSNP rs748926718, ClinGen allele CA358938939.